The following is an entry in ClinVar:

NM_002516.4(NOVA2):c.1210_1211del (p.Ser404fs)

Gene: NOVA2 (NOVA alternative splicing regulator 2; minus strand). Cytogenetic location: 19q13.32.
Variant type: Microsatellite.
Coding change: c.1210_1211del on transcript NM_002516.4 (MANE Select); coding-DNA positions 1210 to 1211, 2 bases deleted (AG; older notation c.1210_1211delAG).
Protein change: p.Ser404fs; shifts the reading frame from serine 404.
Molecular consequence: frameshift variant.
Genome position (GRCh38, 1-based): chr19:45,940,131-45,940,132, CT deleted on the plus strand (AG on the coding strand, the reverse complement: NOVA2 is on the minus strand); deleting any 2 consecutive bases within chr19:45,940,131-45,940,135 gives the same sequence; the c. name uses the placement nearest the transcript's 3' end. VCF-style (leftmost placement, unchanged base first): chr19-45940130-ACT-A. GRCh37 (hg19) VCF-style: chr19-46443388-ACT-A.
Other names: short protein forms S404fs.
Identifiers: ClinVar variation 3346967 (VCV003346967.1).

ClinVar aggregate classification (germline): Uncertain significance (0 of 4 stars; one submission).

Conditions:
NOVA2-related disorder. Also called: NOVA2-related condition.

Submission:

PreventionGenetics, part of Exact Sciences
Classification: Uncertain significance for NOVA2-related condition. Last evaluated: 2024-08-05. Review status: no assertion criteria provided. Collection method: clinical testing. Allele origin: germline.
Comment: The NOVA2 c.1210_1211delAG variant is predicted to result in a frameshift and premature protein termination (p.Ser404Cysfs*11). This variant occurs in the last exon of the gene and is expected to escape nonsense mediated decay. To our knowledge, this variant has not been reported in the literature or in gnomAD, indicating it is rare. Premature termination variants in NOVA2 have been associated with disease (see fore example, Mattioli et al. 2020. PubMed ID: 32197073; Scala et al. 2022. PubMed ID: 35607920); however, all variants of this type have been upstream of this position. Although we suspect that this variant may be pathogenic, at this time, the clinical significance of this variant is uncertain due to the absence of conclusive functional and genetic evidence.